The following is an entry in ClinVar:

NM_000492.4(CFTR):c.518A>T (p.Asp173Val)

Gene: CFTR (CF transmembrane conductance regulator; plus strand). Cytogenetic location: 7q31.2.
Variant type: single nucleotide variant.
Coding change: c.518A>T on transcript NM_000492.4 (MANE Select); coding-DNA position 518, A replaced by T.
Protein change: p.Asp173Val; replaces aspartic acid 173 with valine.
Molecular consequence: missense variant.
Genome position (GRCh38, 1-based): chr7:117,534,304, A>T. VCF-style: chr7-117534304-A-T. GRCh37 (hg19) VCF-style: chr7-117174358-A-T.
Other names: short protein forms D173V.
Identifiers: ClinVar variation 2770417 (VCV002770417.3), dbSNP rs2485014415, ClinGen allele CA368976417.

ClinVar aggregate classification (germline): Uncertain significance (1 of 4 stars; one submission).

Conditions:
Cystic fibrosis (CF). Also called: MUCOVISCIDOSIS. Identifiers: Orphanet 586, MedGen C0010674, MONDO:0009061, OMIM 219700. Disease mechanism: loss of function.

Submission:

Labcorp Genetics (formerly Invitae), Labcorp
Classification: Uncertain significance for Cystic fibrosis. Last evaluated: 2023-10-23. Review status: criteria provided, single submitter. Criteria: Invitae Variant Classification Sherloc (09022015). Collection method: clinical testing. Allele origin: germline.
Comment: This sequence change replaces aspartic acid, which is acidic and polar, with valine, which is neutral and non-polar, at codon 173 of the CFTR protein (p.Asp173Val). This variant is not present in population databases (gnomAD no frequency). This variant has not been reported in the literature in individuals affected with CFTR-related conditions. Advanced modeling of protein sequence and biophysical properties (such as structural, functional, and spatial information, amino acid conservation, physicochemical variation, residue mobility, and thermodynamic stability) performed at Invitae indicates that this missense variant is expected to disrupt CFTR protein function. In summary, the available evidence is currently insufficient to determine the role of this variant in disease. Therefore, it has been classified as a Variant of Uncertain Significance.